The following is an entry in ClinVar:

ClinVar aggregate classification (germline): Uncertain significance (1 of 4 stars; one submission).

Conditions:
Beckwith-Wiedemann syndrome (BWS). Also called: Exomphalos macroglossia gigantism syndrome; EMG SYNDROME. Identifiers: Orphanet 116, MedGen C0004903, MONDO:0007534, OMIM 130650.

Submission:

Labcorp Genetics (formerly Invitae), Labcorp
Classification: Uncertain significance for Beckwith-Wiedemann syndrome. Last evaluated: 2020-11-18. Review status: criteria provided, single submitter. Criteria: Invitae Variant Classification Sherloc (09022015). Collection method: clinical testing. Allele origin: germline.
Comment: In summary, the available evidence is currently insufficient to determine the role of this variant in disease. Therefore, it has been classified as a Variant of Uncertain Significance. Algorithms developed to predict the effect of missense changes on protein structure and function are either unavailable or do not agree on the potential impact of this missense change (SIFT: "Tolerated"; PolyPhen-2: "Not Available"; Align-GVGD: "Class C0"). This variant has not been reported in the literature in individuals with CDKN1C-related conditions. This variant is not present in population databases (ExAC no frequency). This sequence change replaces alanine with proline at codon 239 of the CDKN1C protein (p.Ala239Pro). The alanine residue is weakly conserved and there is a small physicochemical difference between alanine and proline.

NM_001122630.2(CDKN1C):c.682G>C (p.Ala228Pro)

Gene: CDKN1C (cyclin dependent kinase inhibitor 1C; minus strand). Cytogenetic location: 11p15.4.
Variant type: single nucleotide variant.
Coding change: c.682G>C on transcript NM_001122630.2 (MANE Select); coding-DNA position 682, G replaced by C.
Protein change: p.Ala228Pro; replaces alanine 228 with proline.
Molecular consequence: missense variant. On other transcripts: intron variant (1).
Genome position (GRCh38, 1-based): chr11:2,884,775, C>G on the plus strand (G>C on the coding strand, the complement: CDKN1C is on the minus strand). VCF-style: chr11-2884775-C-G. GRCh37 (hg19) VCF-style: chr11-2906005-C-G.
Other names: c.715G>C, p.Ala239Pro (NM_000076.2, NM_001362474.2); c.682G>C, p.Ala228Pro (NM_001122631.2); c.255+427G>C (NM_001362475.2); short protein forms A228P, A239P.
Identifiers: ClinVar variation 1466538 (VCV001466538.8), dbSNP rs781428134, ClinGen allele CA379145742.